The following is an entry in ClinVar:

NM_001371623.1(TCOF1):c.4030G>A (p.Glu1344Lys)

Gene: TCOF1 (treacle ribosome biogenesis factor 1; plus strand). Cytogenetic location: 5q32.
Variant type: single nucleotide variant.
Coding change: c.4030G>A on transcript NM_001371623.1 (MANE Select); coding-DNA position 4030, G replaced by A.
Protein change: p.Glu1344Lys; replaces glutamic acid 1344 with lysine.
Molecular consequence: missense variant.
Genome position (GRCh38, 1-based): chr5:150,396,527, G>A. VCF-style: chr5-150396527-G-A. GRCh37 (hg19) VCF-style: chr5-149776090-G-A.
Other names: c.3796G>A, p.Glu1266Lys (NM_000356.4); c.4027G>A, p.Glu1343Lys (NM_001135243.2); c.3916G>A, p.Glu1306Lys (NM_001135244.2); c.3799G>A, p.Glu1267Lys (NM_001135245.2); c.3913G>A, p.Glu1305Lys (NM_001195141.2); short protein forms E1306K, E1267K, E1266K, E1343K, E1305K, E1344K.
Identifiers: ClinVar variation 3656134 (VCV003656134.2).

ClinVar aggregate classification (germline): Uncertain significance (1 of 4 stars; one submission).

Conditions:
Treacher Collins syndrome 1 (TCS1). Also called: TCOF1-Related Treacher Collins Syndrome. Identifiers: Orphanet 861, MedGen CN315775, MONDO:0007944, OMIM 154500.

Submission:

Labcorp Genetics (formerly Invitae), Labcorp
Classification: Uncertain significance for Treacher Collins syndrome 1. Last evaluated: 2024-06-10. Review status: criteria provided, single submitter. Criteria: Invitae Variant Classification Sherloc (09022015). Collection method: clinical testing. Allele origin: germline.
Comment: This sequence change replaces glutamic acid, which is acidic and polar, with lysine, which is basic and polar, at codon 1343 of the TCOF1 protein (p.Glu1343Lys). This variant is not present in population databases (gnomAD no frequency). This variant has not been reported in the literature in individuals affected with TCOF1-related conditions. An algorithm developed to predict the effect of missense changes on protein structure and function (PolyPhen-2) suggests that this variant is likely to be tolerated. In summary, the available evidence is currently insufficient to determine the role of this variant in disease. Therefore, it has been classified as a Variant of Uncertain Significance.